The following is an entry in ClinVar:

NM_005548.3(KARS1):c.1259G>A (p.Arg420His)

Gene: KARS1 (lysyl-tRNA synthetase 1; minus strand). Cytogenetic location: 16q23.1.
Variant type: single nucleotide variant.
Coding change: c.1259G>A on transcript NM_005548.3 (MANE Select); coding-DNA position 1259, G replaced by A.
Protein change: p.Arg420His; replaces arginine 420 with histidine.
Molecular consequence: missense variant.
Genome position (GRCh38, 1-based): chr16:75,631,247, C>T on the plus strand (G>A on the coding strand, the complement: KARS1 is on the minus strand). VCF-style: chr16-75631247-C-T. GRCh37 (hg19) VCF-style: chr16-75665145-C-T.
Other names: c.1343G>A, p.Arg448His (NM_001130089.2); c.791G>A, p.Arg264His (NM_001378148.1); short protein forms R448H, R420H, R264H.
Identifiers: ClinVar variation 1898539 (VCV001898539.10), dbSNP rs201574004, ClinGen allele CA8177329.

ClinVar aggregate classification (germline): Uncertain significance. Review status: criteria provided, multiple submitters, no conflicts (2 of 4 stars). 4 submissions from 4 submitters: Uncertain significance (4). Last evaluated 2024-04-06.

Allele frequency attached by ClinVar (database versions not stated): TOPMed 0.00002; gnomAD 0.00003; ExAC 0.00004; gnomAD exomes 0.00004; 1000 Genomes Project 30x 0.00016; 1000 Genomes Project 0.00020.
gnomAD v4.1: 29 of 1,613,736 alleles (0.0018%); highest among the groups gnomAD compares: South Asian, 0.0033%; no homozygotes.

Submissions (4):

Ambry Genetics
Classification: Uncertain significance. Last evaluated: 2024-04-06. Review status: criteria provided, single submitter. Criteria: Ambry Variant Classification Scheme 2023. Collection method: clinical testing. Allele origin: germline.

Labcorp Genetics (formerly Invitae), Labcorp
Classification: Uncertain significance. Last evaluated: 2023-08-17. Review status: criteria provided, single submitter. Criteria: Invitae Variant Classification Sherloc (09022015). Collection method: clinical testing. Allele origin: germline.
Comment: In summary, the available evidence is currently insufficient to determine the role of this variant in disease. Therefore, it has been classified as a Variant of Uncertain Significance. Advanced modeling of protein sequence and biophysical properties (such as structural, functional, and spatial information, amino acid conservation, physicochemical variation, residue mobility, and thermodynamic stability) performed at Invitae indicates that this missense variant is not expected to disrupt KARS protein function. This sequence change replaces arginine, which is basic and polar, with histidine, which is basic and polar, at codon 448 of the KARS protein (p.Arg448His). This variant is present in population databases (rs201574004, gnomAD 0.006%). This variant has not been reported in the literature in individuals affected with KARS-related conditions. ClinVar contains an entry for this variant (Variation ID: 1898539).

Blueprint Genetics
Classification: Uncertain significance. Last evaluated: 2022-11-23. Review status: criteria provided, single submitter. Criteria: ACMG Guidelines, 2015. Collection method: clinical testing. Allele origin: germline.

Revvity Omics, Revvity
Classification: Uncertain significance. Last evaluated: 2022-08-01. Review status: criteria provided, single submitter. Criteria: ACMG Guidelines, 2015. Collection method: clinical testing. Allele origin: germline.